The following is an entry in ClinVar:

ClinVar aggregate classification (germline): Uncertain significance (1 of 4 stars; one submission).

Submission:

Mayo Clinic Laboratories, Mayo Clinic
Classification: Uncertain significance. Last evaluated: 2025-08-08. Review status: criteria provided, single submitter. Criteria: ACMG Guidelines, 2015. Collection method: clinical testing. Allele origin: germline. Observed: 1 variant allele.
Comment: PM2_supporting

NM_002775.5(HTRA1):c.1178+2dup

Gene: HTRA1 (HtrA serine peptidase 1; plus strand). Cytogenetic location: 10q26.13.
Variant type: Duplication.
Coding change: c.1178+2dup on transcript NM_002775.5 (MANE Select); the canonical splice donor site of the intron after coding-DNA position 1178, one base duplicated (T; older notation c.1178+2dupT).
Molecular consequence: splice donor variant.
Genome position (GRCh38, 1-based): chr10:122,510,155, T duplicated. VCF-style (leftmost placement, unchanged base first): chr10-122510154-G-GT. GRCh37 (hg19) VCF-style: chr10-124269670-G-GT.
Identifiers: ClinVar variation 4541595 (VCV004541595.1).